The following is an entry in ClinVar:

NM_212482.4(FN1):c.4363A>G (p.Ile1455Val)

Gene: FN1 (fibronectin 1; minus strand). Cytogenetic location: 2q35.
Variant type: single nucleotide variant.
Coding change: c.4363A>G on transcript NM_212482.4 (MANE Select); coding-DNA position 4363, A replaced by G.
Protein change: p.Ile1455Val; replaces isoleucine 1455 with valine.
Molecular consequence: missense variant.
Genome position (GRCh38, 1-based): chr2:215,386,938, T>C on the plus strand (A>G on the coding strand, the complement: FN1 is on the minus strand). VCF-style: chr2-215386938-T-C. GRCh37 (hg19) VCF-style: chr2-216251661-T-C.
Other names: c.4363A>G, p.Ile1455Val (NM_001306129.2, NM_001306130.2, NM_001365517.2 and 3 more transcripts); c.4090A>G, p.Ile1364Val (NM_001306131.2, NM_001306132.2, NM_001365518.2 and 7 more transcripts); short protein forms I1455V, I1364V.
Identifiers: ClinVar variation 2843790 (VCV002843790.3), dbSNP rs770981600, ClinGen allele CA2094431.
Genomic context (GRCh38, chr2:215,386,938, plus strand): 5'-TGGCTCGAGGAGCAATCCAGTGCACAGTAAAAGAGTTGGCAGTAATATCAGAAAAGTCAA[T>C]GCCAGTTGGGGAATCAAGACCTGTTTTTCCCACCCGGGGGAGGAAGAGAAAAAAAAAAGA-3'
Protein context (NP_997647.2, residues 1445-1465): QKTGLDSPTG[Ile1455Val]DFSDITANSF

ClinVar aggregate classification (germline): Uncertain significance (1 of 4 stars; one submission).

Allele frequency attached by ClinVar (database versions not stated): gnomAD exomes below 0.00001; ExAC 0.00001.
gnomAD v4.1: 3 of 1,611,690 alleles (0.00019%); highest among the groups gnomAD compares: Non-Finnish European, 0.00017%; no homozygotes.

Submission:

Labcorp Genetics (formerly Invitae), Labcorp
Classification: Uncertain significance. Last evaluated: 2023-03-08. Review status: criteria provided, single submitter. Criteria: Invitae Variant Classification Sherloc (09022015). Collection method: clinical testing. Allele origin: germline.
Comment: This sequence change replaces isoleucine, which is neutral and non-polar, with valine, which is neutral and non-polar, at codon 1455 of the FN1 protein (p.Ile1455Val). The frequency data for this variant in the population databases is considered unreliable, as metrics indicate poor data quality at this position in the gnomAD database. This variant has not been reported in the literature in individuals affected with FN1-related conditions. An algorithm developed to predict the effect of missense changes on protein structure and function (PolyPhen-2) suggests that this variant is likely to be tolerated. In summary, the available evidence is currently insufficient to determine the role of this variant in disease. Therefore, it has been classified as a Variant of Uncertain Significance.